The following is an entry in ClinVar:

ClinVar aggregate classification (germline): Uncertain significance (1 of 4 stars; one submission).

Conditions:
Myopathy, proximal, and ophthalmoplegia (CMYO6). Also called: MYOPATHY WITH CONGENITAL JOINT CONTRACTURES, OPHTHALMOPLEGIA, AND RIMMED VACUOLES; INCLUSION BODY MYOPATHY 3, AUTOSOMAL DOMINANT; CONGENITAL MYOPATHY 6 WITH OPHTHALMOPLEGIA. Identifiers: Orphanet 363677, Orphanet 79091, MedGen C1854106, MONDO:0011577, OMIM 605637.

Allele frequency attached by ClinVar (database versions not stated): gnomAD 0.00001.
gnomAD v4.1: 9 of 1,614,026 alleles (0.00056%); highest among the groups gnomAD compares: African/African-American, 0.0027%; no homozygotes.

Submission:

Labcorp Genetics (formerly Invitae), Labcorp
Classification: Uncertain significance for Myopathy, proximal, and ophthalmoplegia. Last evaluated: 2022-10-17. Review status: criteria provided, single submitter. Criteria: Invitae Variant Classification Sherloc (09022015). Collection method: clinical testing. Allele origin: germline.
Comment: In summary, the available evidence is currently insufficient to determine the role of this variant in disease. Therefore, it has been classified as a Variant of Uncertain Significance. Advanced modeling of protein sequence and biophysical properties (such as structural, functional, and spatial information, amino acid conservation, physicochemical variation, residue mobility, and thermodynamic stability) performed at Invitae indicates that this missense variant is expected to disrupt MYH2 protein function. This variant has not been reported in the literature in individuals affected with MYH2-related conditions. This variant is present in population databases (rs140762786, gnomAD 0.01%). This sequence change replaces arginine, which is basic and polar, with tryptophan, which is neutral and slightly polar, at codon 1787 of the MYH2 protein (p.Arg1787Trp).

NM_017534.6(MYH2):c.5359C>T (p.Arg1787Trp)

Genes: MYH2 (myosin heavy chain 2; minus strand), MYHAS (myosin heavy chain gene cluster antisense RNA; plus strand). Cytogenetic location: 17p13.1.
Variant type: single nucleotide variant.
Coding change: c.5359C>T on transcript NM_017534.6 (MANE Select); coding-DNA position 5359, C replaced by T.
Protein change: p.Arg1787Trp; replaces arginine 1787 with tryptophan.
Molecular consequence: missense variant.
Genome position (GRCh38, 1-based): chr17:10,523,609, G>A on the plus strand (C>T on the coding strand, the complement: MYH2 is on the minus strand). VCF-style: chr17-10523609-G-A. GRCh37 (hg19) VCF-style: chr17-10426926-G-A.
Other names: c.5359C>T, p.Arg1787Trp (NM_001100112.2); short protein forms R1787W.
Identifiers: ClinVar variation 1986830 (VCV001986830.4), dbSNP rs140762786, ClinGen allele CA8390414.